The following is an entry in ClinVar:

ClinVar aggregate classification (germline): Likely benign (1 of 4 stars; one submission).

gnomAD v4.1: 99 of 1,613,930 alleles (0.0061%); highest among the groups gnomAD compares: Middle Eastern, 0.016%; no homozygotes.

Submission:

CeGaT Center for Human Genetics Tuebingen
Classification: Likely benign. Last evaluated: 2025-10-01. Review status: criteria provided, single submitter. Criteria: CeGaT Center For Human Genetics Tuebingen Variant Classification Criteria Version 2. Collection method: clinical testing. Allele origin: germline. Affected: yes. Observed: 1 variant allele.
Comment: DNAH17: BP4, BP7

NM_173628.4(DNAH17):c.6579C>T (p.Ile2193=)

Genes: DNAH17 (dynein axonemal heavy chain 17; minus strand), DNAH17-AS1 (DNAH17 antisense RNA 1; plus strand). Cytogenetic location: 17q25.3.
Variant type: single nucleotide variant.
Coding change: c.6579C>T on transcript NM_173628.4 (MANE Select); coding-DNA position 6579, C replaced by T.
Protein change: p.Ile2193=; no amino-acid change (isoleucine 2193 retained).
Molecular consequence: synonymous variant.
Genome position (GRCh38, 1-based): chr17:78,491,533, G>A on the plus strand (C>T on the coding strand, the complement: DNAH17 is on the minus strand). VCF-style: chr17-78491533-G-A. GRCh37 (hg19) VCF-style: chr17-76487615-G-A.
Identifiers: ClinVar variation 4533982 (VCV004533982.6).